The following is an entry in ClinVar:

NM_002691.4(POLD1):c.2343G>C (p.Trp781Cys)

Gene: POLD1 (DNA polymerase delta 1, catalytic subunit; plus strand). Cytogenetic location: 19q13.33.
Variant type: single nucleotide variant.
Coding change: c.2343G>C on transcript NM_002691.4 (MANE Select); coding-DNA position 2343, G replaced by C.
Protein change: p.Trp781Cys; replaces tryptophan 781 with cysteine.
Molecular consequence: missense variant. On other transcripts: non-coding transcript variant (1).
Genome position (GRCh38, 1-based): chr19:50,413,834, G>C. VCF-style: chr19-50413834-G-C. GRCh37 (hg19) VCF-style: chr19-50917091-G-C.
Other names: c.2343G>C, p.Trp781Cys (NM_001256849.1); c.2421G>C, p.Trp807Cys (NM_001308632.1); c.2343G>C (NM_002691.2); short protein forms W781C, W807C.
Identifiers: ClinVar variation 1052884 (VCV001052884.10), dbSNP rs2122450133, ClinGen allele CA406984257.

ClinVar aggregate classification (germline): Uncertain significance. Review status: criteria provided, multiple submitters, no conflicts (2 of 4 stars). 2 submissions from 2 submitters: Uncertain significance (2). Last evaluated 2025-08-07.

Conditions:
Hereditary cancer-predisposing syndrome. Also called: Tumor predisposition; Hereditary Cancer Syndrome; Hereditary neoplastic syndrome; Neoplastic Syndromes, Hereditary. Identifiers: Orphanet 140162, MedGen C0027672, MeSH D009386, MONDO:0015356.
POLD1-related polyposis and colorectal cancer syndrome (CRCS10). Also called: Colorectal cancer 10; COLORECTAL CANCER, SUSCEPTIBILITY TO, ON CHROMOSOME 19q; Colorectal cancer, susceptibility to, 10. Identifiers: Orphanet 220460, MedGen C2675481, MONDO:0012953, OMIM 612591.

Submissions (2):

Ambry Genetics
Classification: Uncertain significance for Hereditary cancer-predisposing syndrome. Last evaluated: 2025-08-07. Review status: criteria provided, single submitter. Criteria: Ambry Variant Classification Scheme 2023. Collection method: clinical testing. Allele origin: germline.
Comment: The p.W781C variant (also known as c.2343G>C), located in coding exon 18 of the POLD1 gene, results from a G to C substitution at nucleotide position 2343. The tryptophan at codon 781 is replaced by cysteine, an amino acid with highly dissimilar properties. This amino acid position is conserved. In addition, the in silico prediction for this alteration is inconclusive. Based on the available evidence, the clinical significance of this variant remains unclear.

Labcorp Genetics (formerly Invitae), Labcorp
Classification: Uncertain significance for POLD1-related polyposis and colorectal cancer syndrome. Last evaluated: 2024-05-06. Review status: criteria provided, single submitter. Criteria: Invitae Variant Classification Sherloc (09022015). Collection method: clinical testing. Allele origin: germline.
Comment: This sequence change replaces tryptophan, which is neutral and slightly polar, with cysteine, which is neutral and slightly polar, at codon 781 of the POLD1 protein (p.Trp781Cys). This variant is not present in population databases (gnomAD no frequency). This variant has not been reported in the literature in individuals affected with POLD1-related conditions. ClinVar contains an entry for this variant (Variation ID: 1052884). Advanced modeling of protein sequence and biophysical properties (such as structural, functional, and spatial information, amino acid conservation, physicochemical variation, residue mobility, and thermodynamic stability) performed at Invitae indicates that this missense variant is not expected to disrupt POLD1 protein function with a negative predictive value of 80%. In summary, the available evidence is currently insufficient to determine the role of this variant in disease. Therefore, it has been classified as a Variant of Uncertain Significance.